The following is an entry in ClinVar:

NM_020975.6(RET):c.3094G>A (p.Gly1032Ser)

Gene: RET (ret proto-oncogene; plus strand). Cytogenetic location: 10q11.21.
Variant type: single nucleotide variant.
Coding change: c.3094G>A on transcript NM_020975.6 (MANE Select); coding-DNA position 3094, G replaced by A.
Protein change: p.Gly1032Ser; replaces glycine 1032 with serine.
Molecular consequence: missense variant.
Genome position (GRCh38, 1-based): chr10:43,126,629, G>A. VCF-style: chr10-43126629-G-A. GRCh37 (hg19) VCF-style: chr10-43622077-G-A.
Other names: p.Gly1032Ser; c.2368G>A, p.Gly790Ser (NM_001406777.1, NM_001406778.1, NM_001406775.1 and 1 more transcripts); c.2197G>A, p.Gly733Ser (NM_001406779.1, NM_001406780.1, NM_001406781.1 and 1 more transcripts); c.2068G>A, p.Gly690Ser (NM_001406783.1, NM_001406786.1); c.2104G>A, p.Gly702Ser (NM_001406784.1); c.2077G>A, p.Gly693Ser (NM_001406785.1); c.2062G>A, p.Gly688Ser (NM_001406787.1); c.1909G>A, p.Gly637Ser (NM_001406788.1, NM_001406789.1, NM_001406790.1); and 11 more; short protein forms G1032S, G778S, G886S, G549S, G733S, G790S, G857S, G900S.
Identifiers: ClinVar variation 582597 (VCV000582597.20), dbSNP rs757373375, ClinGen allele CA042562.
Genomic context (GRCh38, chr10:43,126,629, plus strand): 5'-TTCCAGGACTACTTGGACCTTGCGGCGTCCACTCCATCTGACTCCCTGATTTATGACGAC[G>A]GCCTCTCAGAGGAGGAGACACCGCTGGTGGACTGTAATAATGCCCCCCTCCCTCGAGCCC-3'
Protein context (NP_066124.1, residues 1022-1042): TPSDSLIYDD[Gly1032Ser]LSEEETPLVD

ClinVar aggregate classification (germline): Conflicting classifications of pathogenicity. Review status: criteria provided, conflicting classifications (1 of 4 stars). 6 submissions from 6 submitters: Uncertain significance (5); Likely benign (1). Last evaluated 2025-10-09.

Conditions:
Hereditary cancer-predisposing syndrome. Also called: Neoplastic Syndromes, Hereditary; Hereditary Cancer Syndrome; Tumor predisposition; Hereditary neoplastic syndrome. Identifiers: Orphanet 140162, MedGen C0027672, MeSH D009386, MONDO:0015356.
Hirschsprung disease, susceptibility to, 1 (HSCR1). Also called: RET-Related Hirschsprung Disease. Identifiers: Orphanet 388, MedGen C3888239, MONDO:0007723, OMIM 142623.
Multiple endocrine neoplasia, type 2 (MEN2). Identifiers: Orphanet 653, MedGen C4048306, MONDO:0019003. Disease mechanism: gain of function.

Allele frequency attached by ClinVar (database versions not stated): gnomAD exomes 0.00001 and 0.00002; TOPMed 0.00003; gnomAD 0.00004; ExAC 0.00005.
gnomAD v4.1: 18 of 1,613,936 alleles (0.0011%); highest among the groups gnomAD compares: Middle Eastern, 0.016%; no homozygotes.

Submissions (6):

Labcorp Genetics (formerly Invitae), Labcorp
Classification: Uncertain significance for Multiple endocrine neoplasia, type 2. Last evaluated: 2025-10-09. Review status: criteria provided, single submitter. Criteria: Invitae Variant Classification Sherloc (09022015). Collection method: clinical testing. Allele origin: germline.
Comment: This sequence change replaces glycine, which is neutral and non-polar, with serine, which is neutral and polar, at codon 1032 of the RET protein (p.Gly1032Ser). This variant is present in population databases (rs757373375, gnomAD 0.004%). This variant has not been reported in the literature in individuals affected with RET-related conditions. ClinVar contains an entry for this variant (Variation ID: 582597). An algorithm developed to predict the effect of missense changes on protein structure and function (PolyPhen-2) suggests that this variant is likely to be disruptive. In summary, the available evidence is currently insufficient to determine the role of this variant in disease. Therefore, it has been classified as a Variant of Uncertain Significance.

Ambry Genetics
Classification: Likely benign for Hereditary cancer-predisposing syndrome. Last evaluated: 2023-12-12. Review status: criteria provided, single submitter. Criteria: Ambry Variant Classification Scheme 2023. Collection method: clinical testing. Allele origin: germline.

Baylor Genetics
Classification: Uncertain significance for Hirschsprung disease, susceptibility to, 1. Last evaluated: 2023-09-13. Review status: criteria provided, single submitter. Criteria: ACMG Guidelines, 2015. Collection method: clinical testing. Allele origin: unknown.

All of Us Research Program, National Institutes of Health
Classification: Uncertain significance for Multiple endocrine neoplasia, type 2. Last evaluated: 2023-06-28. Review status: criteria provided, single submitter. Criteria: ACMG Guidelines, 2015. Collection method: clinical testing. Allele origin: germline. Inheritance: Autosomal dominant inheritance. Observed: 1 variant allele, 1 heterozygote.
Comment: This study involves interpretation of variants in research participants for the purpose of population health screening. Participant phenotype was not available at the time of variant classification. Additional details can be found in publication PMID: 35346344, PMCID: PMC8962531

Mayo Clinic Laboratories, Mayo Clinic
Classification: Uncertain significance. Last evaluated: 2023-01-16. Review status: criteria provided, single submitter. Criteria: ACMG Guidelines, 2015. Collection method: clinical testing. Allele origin: germline. Observed: 1 variant allele.
Comment: BP4

Institute for Clinical Genetics, University Hospital TU Dresden, University Hospital TU Dresden
Classification: Uncertain significance. Last evaluated: 2021-11-03. Review status: criteria provided, single submitter. Criteria: ACMG Guidelines, 2015. Collection method: clinical testing. Allele origin: germline.